The following is an entry in ClinVar:

ClinVar aggregate classification (germline): Conflicting classifications of pathogenicity. Review status: criteria provided, conflicting classifications (1 of 4 stars). 5 submissions from 5 submitters: Uncertain significance (3); Benign (1). 1 of the submissions does not count toward it. Last evaluated 2026-01-18.

Conditions:
Inborn genetic diseases. Identifiers: MedGen C0950123, MeSH D030342.
SETBP1-related disorder. Also called: SETBP1-related condition; SETBP1-related disorders.

Allele frequency attached by ClinVar (database versions not stated): gnomAD 0.00001; TOPMed 0.00001.
gnomAD v4.1: 1 of 1,614,008 alleles (0.000062%); highest among the groups gnomAD compares: Admixed American, 0.0017%; no homozygotes.

Submissions (5):

Labcorp Genetics (formerly Invitae), Labcorp
Classification: Benign. Last evaluated: 2026-01-18. Review status: criteria provided, single submitter. Criteria: Invitae Variant Classification Sherloc (09022015). Collection method: clinical testing. Allele origin: germline.

Ambry Genetics
Classification: Uncertain significance for Inborn genetic diseases. Last evaluated: 2024-12-05. Review status: criteria provided, single submitter. Criteria: Ambry Variant Classification Scheme 2023. Collection method: clinical testing. Allele origin: germline.

GeneDx
Classification: Uncertain significance. Last evaluated: 2023-05-09. Review status: criteria provided, single submitter. Criteria: GeneDx Variant Classification Process June 2021. Collection method: clinical testing. Allele origin: germline. Affected: yes.
Comment: In silico analysis supports that this missense variant has a deleterious effect on protein structure/function; Has not been previously published as pathogenic or benign to our knowledge

Revvity Omics, Revvity
Classification: Uncertain significance. Last evaluated: 2021-09-16. Review status: criteria provided, single submitter. Criteria: ACMG Guidelines, 2015. Collection method: clinical testing. Allele origin: germline.

PreventionGenetics, part of Exact Sciences
Classification: Uncertain significance for SETBP1-related condition. Last evaluated: 2024-06-28. Review status: no assertion criteria provided. Collection method: clinical testing. Allele origin: germline. Not counted in ClinVar's aggregate classification.
Comment: The SETBP1 c.4058G>T variant is predicted to result in the amino acid substitution p.Gly1353Val. To our knowledge, this variant has not been reported in the literature or in a large population database, indicating this variant is rare. At this time, the clinical significance of this variant is uncertain due to the absence of conclusive functional and genetic evidence.

NM_015559.3(SETBP1):c.4058G>T (p.Gly1353Val)

Gene: SETBP1 (SET binding protein 1; plus strand). Cytogenetic location: 18q12.3.
Variant type: single nucleotide variant.
Coding change: c.4058G>T on transcript NM_015559.3 (MANE Select); coding-DNA position 4058, G replaced by T.
Protein change: p.Gly1353Val; replaces glycine 1353 with valine.
Molecular consequence: missense variant.
Genome position (GRCh38, 1-based): chr18:45,038,542, G>T. VCF-style: chr18-45038542-G-T. GRCh37 (hg19) VCF-style: chr18-42618507-G-T.
Other names: c.4058G>T, p.Gly1353Val (NM_001379141.1, NM_001379142.1); c.4058G>T (NM_015559.2); short protein forms G1353V.
Identifiers: ClinVar variation 1422118 (VCV001422118.12), dbSNP rs1486460574, ClinGen allele CA402482431.